The following is an entry in ClinVar:

NM_000540.3(RYR1):c.3950C>T (p.Pro1317Leu)

Gene: RYR1 (ryanodine receptor 1; plus strand). Cytogenetic location: 19q13.2.
Variant type: single nucleotide variant.
Coding change: c.3950C>T on transcript NM_000540.3 (MANE Select); coding-DNA position 3950, C replaced by T.
Protein change: p.Pro1317Leu; replaces proline 1317 with leucine.
Molecular consequence: missense variant.
Genome position (GRCh38, 1-based): chr19:38,473,561, C>T. VCF-style: chr19-38473561-C-T. GRCh37 (hg19) VCF-style: chr19-38964201-C-T.
Other names: c.3950C>T, p.Pro1317Leu (NM_001042723.2); c.3950C>T (NM_000540.2); short protein forms P1317L.
Identifiers: ClinVar variation 1409202 (VCV001409202.9), dbSNP rs781145954, ClinGen allele CA065370.

ClinVar aggregate classification (germline): Uncertain significance. Review status: criteria provided, multiple submitters, no conflicts (2 of 4 stars). 4 submissions from 4 submitters: Uncertain significance (4). Last evaluated 2026-07-28.

Conditions:
RYR1-related disorder. Also called: RYR1-related condition; RYR1-related disorders. Identifiers: MedGen CN239331.
Inborn genetic diseases. Identifiers: MedGen C0950123, MeSH D030342.
Malignant hyperthermia, susceptibility to, 1 (MHS1). Also called: RYR1-Related Malignant Hyperthermia Susceptibility; Anesthesia related hyperthermia; Malignant hyperpyrexia; Fulminating hyperpyrexia; Pharmacogenic myopathy; Malignant hyperthermia suceptibility 1. Identifiers: Orphanet 423, MedGen C2930980, MONDO:0007783, OMIM 145600.

Allele frequency attached by ClinVar (database versions not stated): gnomAD exomes 0.00002; gnomAD 0.00004 and 0.00003; ExAC 0.00002; TOPMed 0.00006.
gnomAD v4.1: 18 of 1,600,056 alleles (0.0011%); highest among the groups gnomAD compares: African/African-American, 0.008%; no homozygotes.

Submissions (4):

Ambry Genetics
Classification: Uncertain significance for Inborn genetic diseases. Last evaluated: 2026-07-28. Review status: criteria provided, single submitter. Criteria: Ambry Variant Classification Scheme 2023. Collection method: clinical testing. Allele origin: germline.

Labcorp Genetics (formerly Invitae), Labcorp
Classification: Uncertain significance for RYR1-related disorder. Last evaluated: 2025-12-24. Review status: criteria provided, single submitter. Criteria: Invitae Variant Classification Sherloc (09022015). Collection method: clinical testing. Allele origin: germline.
Comment: This sequence change replaces proline, which is neutral and non-polar, with leucine, which is neutral and non-polar, at codon 1317 of the RYR1 protein (p.Pro1317Leu). The frequency data for this variant in the population databases is considered unreliable, as metrics indicate poor data quality at this position in the gnomAD database. This variant has not been reported in the literature in individuals affected with RYR1-related conditions. ClinVar contains an entry for this variant (Variation ID: 1409202). Invitae Evidence Modeling of protein sequence and biophysical properties (such as structural, functional, and spatial information, amino acid conservation, physicochemical variation, residue mobility, and thermodynamic stability) has been performed for this missense variant. However, the output from this modeling did not meet the statistical confidence thresholds required to predict the impact of this variant on RYR1 protein function. In summary, the available evidence is currently insufficient to determine the role of this variant in disease. Therefore, it has been classified as a Variant of Uncertain Significance.

Color Diagnostics, LLC DBA Color Health
Classification: Uncertain significance for Malignant hyperthermia, susceptibility to, 1. Last evaluated: 2025-06-04. Review status: criteria provided, single submitter. Criteria: ACMG Guidelines, 2015. Collection method: clinical testing. Allele origin: germline.
Comment: This missense variant replaces proline with leucine at codon 1317 of the RYR1 protein. Computational prediction suggests that this variant may not impact protein structure and function. To our knowledge, functional studies have not been reported for this variant. This variant has not been reported in individuals affected with RYR1-related disorders in the literature. This variant has been identified in 6/247100 chromosomes in the general population by the Genome Aggregation Database (gnomAD). The available evidence is insufficient to determine the role of this variant in disease conclusively. Therefore, this variant is classified as a Variant of Uncertain Significance.

All of Us Research Program, National Institutes of Health
Classification: Uncertain significance for Malignant hyperthermia, susceptibility to, 1. Last evaluated: 2023-11-30. Review status: criteria provided, single submitter. Criteria: ACMG Guidelines, 2015. Collection method: clinical testing. Allele origin: germline. Inheritance: Autosomal dominant inheritance. Observed: 1 variant allele, 1 heterozygote.
Comment: This study involves interpretation of variants in research participants for the purpose of population health screening. Participant phenotype was not available at the time of variant classification. Additional details can be found in publication PMID: 35346344, PMCID: PMC8962531